The following is an entry in ClinVar:

ClinVar aggregate classification (germline): Uncertain significance (1 of 4 stars; one submission).

Conditions:
Nephronophthisis. Also called: Juvenile Nephronophthisis. Identifiers: Orphanet 655, MedGen C0687120, MONDO:0019005, HP:0000090.

Allele frequency attached by ClinVar (database versions not stated): gnomAD exomes below 0.00001; ExAC 0.00001; TOPMed 0.00001; ESP Exome Variant Server 0.00008.
gnomAD v4.1: 1 of 1,613,544 alleles (0.000062%); highest among the groups gnomAD compares: Non-Finnish European, 0.000085%; no homozygotes.

Submission:

Labcorp Genetics (formerly Invitae), Labcorp
Classification: Uncertain significance for Nephronophthisis. Last evaluated: 2021-09-01. Review status: criteria provided, single submitter. Criteria: Invitae Variant Classification Sherloc (09022015). Collection method: clinical testing. Allele origin: germline.
Comment: This sequence change replaces glutamine with arginine at codon 793 of the NPHP4 protein (p.Gln793Arg). The glutamine residue is moderately conserved and there is a small physicochemical difference between glutamine and arginine. This variant is present in population databases (rs368049363, ExAC 0.002%). This variant has not been reported in the literature in individuals affected with NPHP4-related conditions. Algorithms developed to predict the effect of missense changes on protein structure and function are either unavailable or do not agree on the potential impact of this missense change (SIFT: "Tolerated"; PolyPhen-2: "Probably Damaging"; Align-GVGD: "Class C0"). In summary, the available evidence is currently insufficient to determine the role of this variant in disease. Therefore, it has been classified as a Variant of Uncertain Significance.

NM_015102.5(NPHP4):c.2378A>G (p.Gln793Arg)

Gene: NPHP4 (nephrocystin 4; minus strand). Cytogenetic location: 1p36.31.
Variant type: single nucleotide variant.
Coding change: c.2378A>G on transcript NM_015102.5 (MANE Select); coding-DNA position 2378, A replaced by G.
Protein change: p.Gln793Arg; replaces glutamine 793 with arginine.
Molecular consequence: missense variant. On other transcripts: non-coding transcript variant (1).
Genome position (GRCh38, 1-based): chr1:5,887,393, T>C on the plus strand (A>G on the coding strand, the complement: NPHP4 is on the minus strand). VCF-style: chr1-5887393-T-C. GRCh37 (hg19) VCF-style: chr1-5947453-T-C.
Other names: c.839A>G, p.Gln280Arg (NM_001291593.2); c.842A>G, p.Gln281Arg (NM_001291594.2); short protein forms Q280R, Q281R, Q793R.
Identifiers: ClinVar variation 1445390 (VCV001445390.5), dbSNP rs368049363, ClinGen allele CA554139.